The following is an entry in ClinVar:

ClinVar aggregate classification (germline): Uncertain significance (1 of 4 stars; one submission).

Submission:

Labcorp Genetics (formerly Invitae), Labcorp
Classification: Uncertain significance. Last evaluated: 2023-04-13. Review status: criteria provided, single submitter. Criteria: Invitae Variant Classification Sherloc (09022015). Collection method: clinical testing. Allele origin: germline.
Comment: In summary, the available evidence is currently insufficient to determine the role of this variant in disease. Therefore, it has been classified as a Variant of Uncertain Significance. Experimental studies and prediction algorithms are not available or were not evaluated, and the effect of this variant on mRNA splicing is currently unknown. This variant has not been reported in the literature in individuals affected with AHR-related conditions. Information on the frequency of this variant in the gnomAD database is not available, as this variant may be reported differently in the database. This sequence change falls in intron 1 of the AHR gene. It does not directly change the encoded amino acid sequence of the AHR protein.

NM_001621.5(AHR):c.65+14_65+15delinsTT

Gene: AHR (aryl hydrocarbon receptor; plus strand). Cytogenetic location: 7p21.1.
Variant type: Indel.
Coding change: c.65+14_65+15delinsTT on transcript NM_001621.5 (MANE Select); bases 14 to 15 of the intron after coding-DNA position 65, GC replaced by TT.
Molecular consequence: intron variant.
Genome position (GRCh38, 1-based): chr7:17,299,343-17,299,344, GC replaced by TT. VCF-style: chr7-17299343-GC-TT. GRCh37 (hg19) VCF-style: chr7-17338967-GC-TT.
Identifiers: ClinVar variation 3022836 (VCV003022836.3), dbSNP rs2534401290, ClinGen allele CA2740097306.